The following is an entry in ClinVar:

NM_004082.5(DCTN1):c.2506T>G (p.Trp836Gly)

Gene: DCTN1 (dynactin subunit 1; minus strand). Cytogenetic location: 2p13.1.
Variant type: single nucleotide variant.
Coding change: c.2506T>G on transcript NM_004082.5 (MANE Select); coding-DNA position 2506, T replaced by G.
Protein change: p.Trp836Gly; replaces tryptophan 836 with glycine.
Molecular consequence: missense variant. On other transcripts: non-coding transcript variant (1).
Genome position (GRCh38, 1-based): chr2:74,366,581, A>C on the plus strand (T>G on the coding strand, the complement: DCTN1 is on the minus strand). VCF-style: chr2-74366581-A-C. GRCh37 (hg19) VCF-style: chr2-74593708-A-C.
Other names: c.2446T>G, p.Trp816Gly (NM_001135040.3); c.2104T>G, p.Trp702Gly (NM_001135041.3, NM_023019.4); c.2395T>G, p.Trp799Gly (NM_001190836.2); c.2485T>G, p.Trp829Gly (NM_001190837.2); c.2455T>G, p.Trp819Gly (NM_001378991.1); c.2437T>G, p.Trp813Gly (NM_001378992.1); short protein forms W702G, W799G, W813G, W816G, W819G, W829G, W836G.
Identifiers: ClinVar variation 3749377 (VCV003749377.2).

ClinVar aggregate classification (germline): Uncertain significance (1 of 4 stars; one submission).

Conditions:
Amyotrophic lateral sclerosis type 1 (ALS1). Also called: AMYOTROPHIC LATERAL SCLEROSIS 1, FAMILIAL. Identifiers: Orphanet 803, MedGen C1862939, MONDO:0007103, OMIM 105400.
Neuronopathy, distal hereditary motor, type 7B. Also called: NEURONOPATHY, DISTAL HEREDITARY MOTOR, AUTOSOMAL DOMINANT 14; NEURONOPATHY, DISTAL HEREDITARY MOTOR, HARDING TYPE VIIB; NEUROPATHY, DISTAL HEREDITARY MOTOR, HARDING TYPE VIIB; NEUROPATHY, DISTAL HEREDITARY MOTOR, WITH VOCAL CORD PARALYSIS, HARDING TYPE VIIB; HMN VIIB; LOWER MOTOR NEURON DISEASE, DYNACTIN TYPE. Identifiers: Orphanet 139589, MedGen C1843315, MONDO:0011879, OMIM 607641.
Perry syndrome. Also called: PARKINSONISM WITH ALVEOLAR HYPOVENTILATION AND MENTAL DEPRESSION. Identifiers: Orphanet 178509, MedGen C1868594, MONDO:0008201, OMIM 168605.

gnomAD v4.1: 5 of 1,613,352 alleles (0.00031%); highest among the groups gnomAD compares: Non-Finnish European, 0.00042%; no homozygotes.

Submission:

Labcorp Genetics (formerly Invitae), Labcorp
Classification: Uncertain significance for Amyotrophic lateral sclerosis type 1; Neuronopathy, distal hereditary motor, type 7B; Perry syndrome. Last evaluated: 2024-06-17. Review status: criteria provided, single submitter. Criteria: Invitae Variant Classification Sherloc (09022015). Collection method: clinical testing. Allele origin: germline.
Comment: This sequence change replaces tryptophan, which is neutral and slightly polar, with glycine, which is neutral and non-polar, at codon 836 of the DCTN1 protein (p.Trp836Gly). This variant is not present in population databases (gnomAD no frequency). This variant has not been reported in the literature in individuals affected with DCTN1-related conditions. Advanced modeling of protein sequence and biophysical properties (such as structural, functional, and spatial information, amino acid conservation, physicochemical variation, residue mobility, and thermodynamic stability) performed at Invitae indicates that this missense variant is not expected to disrupt DCTN1 protein function with a negative predictive value of 80%. In summary, the available evidence is currently insufficient to determine the role of this variant in disease. Therefore, it has been classified as a Variant of Uncertain Significance.